The following is an entry in ClinVar:

NM_001376.5(DYNC1H1):c.5515C>G (p.Leu1839Val)

Gene: DYNC1H1 (dynein cytoplasmic 1 heavy chain 1; plus strand). Cytogenetic location: 14q32.31.
Variant type: single nucleotide variant.
Coding change: c.5515C>G on transcript NM_001376.5 (MANE Select); coding-DNA position 5515, C replaced by G.
Protein change: p.Leu1839Val; replaces leucine 1839 with valine.
Molecular consequence: missense variant.
Genome position (GRCh38, 1-based): chr14:102,005,969, C>G. VCF-style: chr14-102005969-C-G. GRCh37 (hg19) VCF-style: chr14-102472306-C-G.
Other names: short protein forms L1839V.
Identifiers: ClinVar variation 2823269 (VCV002823269.3), dbSNP rs2048192372, ClinGen allele CA391048203.
Genomic context (GRCh38, chr14:102,005,969, plus strand): 5'-AGAGATGTTACAAGGTCCTTGATCAAAAGCAAGATTGACAACGCCAAATCTTTTGAATGG[C>G]TCAGCCAGATGCGATTTTACTTTGACCCTAAGCAAACTGATGTGTTACAGCAGTTGTCAA-3'
Protein context (NP_001367.2, residues 1829-1849): KIDNAKSFEW[Leu1839Val]SQMRFYFDPK

ClinVar aggregate classification (germline): Uncertain significance (1 of 4 stars; one submission).

Conditions:
Charcot-Marie-Tooth disease axonal type 2O. Also called: CHARCOT-MARIE-TOOTH NEUROPATHY, AXONAL, TYPE 2O; CHARCOT-MARIE-TOOTH DISEASE, AXONAL, AUTOSOMAL DOMINANT, TYPE 2O; Charcot-Marie-Tooth Neuropathy Type 2O; Charcot-Marie-Tooth disease, axonal, type 20. Identifiers: Orphanet 284232, MedGen C3280220, MONDO:0013644, OMIM 614228.

Allele frequency attached by ClinVar (database versions not stated): gnomAD exomes below 0.00001; TOPMed below 0.00001.
gnomAD v4.1: 1 of 1,614,248 alleles (0.000062%); highest among the groups gnomAD compares: Non-Finnish European, 0.000085%; no homozygotes.

Submission:

Labcorp Genetics (formerly Invitae), Labcorp
Classification: Uncertain significance for Charcot-Marie-Tooth disease axonal type 2O. Last evaluated: 2023-06-29. Review status: criteria provided, single submitter. Criteria: Invitae Variant Classification Sherloc (09022015). Collection method: clinical testing. Allele origin: germline.
Comment: In summary, the available evidence is currently insufficient to determine the role of this variant in disease. Therefore, it has been classified as a Variant of Uncertain Significance. Advanced modeling of protein sequence and biophysical properties (such as structural, functional, and spatial information, amino acid conservation, physicochemical variation, residue mobility, and thermodynamic stability) has been performed at Invitae for this missense variant, however the output from this modeling did not meet the statistical confidence thresholds required to predict the impact of this variant on DYNC1H1 protein function. This variant has not been reported in the literature in individuals affected with DYNC1H1-related conditions. This variant is not present in population databases (gnomAD no frequency). This sequence change replaces leucine, which is neutral and non-polar, with valine, which is neutral and non-polar, at codon 1839 of the DYNC1H1 protein (p.Leu1839Val).